The following is an entry in ClinVar:

NM_001042492.3(NF1):c.3604_3607dup (p.Asp1203delinsGlyTer)

Gene: NF1 (neurofibromin 1; plus strand). Cytogenetic location: 17q11.2.
Variant type: Duplication.
Coding change: c.3604_3607dup on transcript NM_001042492.3 (MANE Select); coding-DNA positions 3604 to 3607, 4 bases duplicated (GCTG; older notation c.3604_3607dupGCTG).
Protein change: p.Asp1203delinsGlyTer.
Molecular consequence: nonsense. On other transcripts: frameshift variant (1).
Genome position (GRCh38, 1-based): chr17:31,233,109-31,233,112, GCTG duplicated; duplicating any 4 consecutive bases within chr17:31,233,107-31,233,112 gives the same sequence; the c. name uses the placement nearest the transcript's 3' end. VCF-style (leftmost placement, unchanged base first): chr17-31233106-T-TTGGC. GRCh37 (hg19) VCF-style: chr17-29560124-T-TTGGC.
Other names: c.3604_3607dup, p.Asp1203Glyfs (NM_000267.4).
Identifiers: ClinVar variation 1069318 (VCV001069318.1), dbSNP rs2151435566, ClinGen allele CA2499224106.

ClinVar aggregate classification (germline): Pathogenic (1 of 4 stars; one submission).

Conditions:
Neurofibromatosis, type 1 (NF1). Also called: VON RECKLINGHAUSEN DISEASE; Peripheral type neurofibromatosis; NEUROFIBROMATOSIS, TYPE I, SOMATIC; Neurofibromatosis, type I. Identifiers: Orphanet 636, MedGen C0027831, MONDO:0018975, OMIM 162200. Disease mechanism: loss of function.

Submission:

Labcorp Genetics (formerly Invitae), Labcorp
Classification: Pathogenic for Neurofibromatosis, type 1. Last evaluated: 2020-09-16. Review status: criteria provided, single submitter. Criteria: Invitae Variant Classification Sherloc (09022015). Collection method: clinical testing. Allele origin: germline.
Comment: This sequence change creates a premature translational stop signal (p.Asp1203Glyfs*2) in the NF1 gene. It is expected to result in an absent or disrupted protein product. This variant is not present in population databases (ExAC no frequency). This variant has not been reported in the literature in individuals with NF1-related conditions. Loss-of-function variants in NF1 are known to be pathogenic (PMID: 10712197, 23913538). For these reasons, this variant has been classified as Pathogenic.

Literature cited by the submitters: PubMed 10712197; PubMed 23913538.